The following is an entry in ClinVar:

NM_001099922.3(ALG13):c.1730-3A>T

Gene: ALG13 (ALG13 UDP-N-acetylglucosaminyltransferase subunit; plus strand). Cytogenetic location: Xq23.
Variant type: single nucleotide variant.
Coding change: c.1730-3A>T on transcript NM_001099922.3 (MANE Select); 3 bases into the intron before coding-DNA position 1730, A replaced by T.
Molecular consequence: intron variant.
Genome position (GRCh38, 1-based): chrX:111,726,806, A>T. VCF-style: chrX-111726806-A-T. GRCh37 (hg19) VCF-style: chrX-110970034-A-T.
Other names: c.1418-3A>T (NM_001257237.2, NM_001257234.2, NM_001257230.2); c.1244-3A>T (NM_001324293.1); c.1496-3A>T (NM_001257231.2); c.1730-3A>T (NM_001324292.2).
Identifiers: ClinVar variation 1449539 (VCV001449539.9), dbSNP rs1318967967, ClinGen allele CA644064885.

ClinVar aggregate classification (germline): Uncertain significance (1 of 4 stars; one submission).

Conditions:
Developmental and epileptic encephalopathy, 36 (DEE36). Also called: Epileptic encephalopathy, early infantile, 36; ALG13-CDG; Congenital disorder of glycosylation, type Is. Identifiers: Orphanet 324422, MedGen C4317295, MONDO:0010472, OMIM 300884.

Allele frequency attached by ClinVar (database versions not stated): gnomAD 0.00001; gnomAD exomes 0.00001; TOPMed 0.00002.

Submission:

Labcorp Genetics (formerly Invitae), Labcorp
Classification: Uncertain significance for Developmental and epileptic encephalopathy, 36. Last evaluated: 2025-01-06. Review status: criteria provided, single submitter. Criteria: Invitae Variant Classification Sherloc (09022015). Collection method: clinical testing. Allele origin: germline.
Comment: This sequence change falls in intron 15 of the ALG13 gene. It does not directly change the encoded amino acid sequence of the ALG13 protein. It affects a nucleotide within the consensus splice site. This variant is present in population databases (no rsID available, gnomAD 0.008%), including at least one homozygous and/or hemizygous individual. This variant has not been reported in the literature in individuals affected with ALG13-related conditions. ClinVar contains an entry for this variant (Variation ID: 1449539). Variants that disrupt the consensus splice site are a relatively common cause of aberrant splicing (PMID: 17576681, 9536098). Algorithms developed to predict the effect of sequence changes on RNA splicing suggest that this variant is not likely to affect RNA splicing. In summary, the available evidence is currently insufficient to determine the role of this variant in disease. Therefore, it has been classified as a Variant of Uncertain Significance.

Literature cited by the submitters: PubMed 17576681; PubMed 9536098.